The following is an entry in ClinVar:

NM_000360.4(TH):c.823G>A (p.Val275Ile)

Gene: TH (tyrosine hydroxylase; minus strand). Cytogenetic location: 11p15.5.
Variant type: single nucleotide variant.
Coding change: c.823G>A on transcript NM_000360.4 (MANE Select); coding-DNA position 823, G replaced by A.
Protein change: p.Val275Ile; replaces valine 275 with isoleucine.
Molecular consequence: missense variant.
Genome position (GRCh38, 1-based): chr11:2,166,905, C>T on the plus strand (G>A on the coding strand, the complement: TH is on the minus strand). VCF-style: chr11-2166905-C-T. GRCh37 (hg19) VCF-style: chr11-2188135-C-T.
Other names: c.916G>A, p.Val306Ile (NM_199292.3); c.904G>A, p.Val302Ile (NM_199293.3); short protein forms V275I, V302I, V306I.
Identifiers: ClinVar variation 1505895 (VCV001505895.5), dbSNP rs770941754, ClinGen allele CA5818478.

ClinVar aggregate classification (germline): Uncertain significance (1 of 4 stars; one submission).

Conditions:
TH-deficient dopa-responsive dystonia. Also called: Tyrosine Hydroxylase-Deficient Dopa-Responsive Dystonia; Segawa syndrome, autosomal recessive; DYT-TH. Identifiers: Orphanet 101150, MedGen C2673535, MONDO:0011551, OMIM 605407.

Allele frequency attached by ClinVar (database versions not stated): gnomAD 0.00001; gnomAD exomes 0.00001 and 0.00002; TOPMed 0.00001; ExAC 0.00003.
gnomAD v4.1: 22 of 1,604,668 alleles (0.0014%); highest among the groups gnomAD compares: Admixed American, 0.0051%; no homozygotes.

Submission:

Labcorp Genetics (formerly Invitae), Labcorp
Classification: Uncertain significance for TH-deficient dopa-responsive dystonia. Last evaluated: 2022-07-16. Review status: criteria provided, single submitter. Criteria: Invitae Variant Classification Sherloc (09022015). Collection method: clinical testing. Allele origin: germline.
Comment: This sequence change replaces valine, which is neutral and non-polar, with isoleucine, which is neutral and non-polar, at codon 306 of the TH protein (p.Val306Ile). The frequency data for this variant in the population databases is considered unreliable, as metrics indicate poor data quality at this position in the gnomAD database. This variant has not been reported in the literature in individuals affected with TH-related conditions. ClinVar contains an entry for this variant (Variation ID: 1505895). Algorithms developed to predict the effect of missense changes on protein structure and function (SIFT, PolyPhen-2, Align-GVGD) all suggest that this variant is likely to be disruptive. In summary, the available evidence is currently insufficient to determine the role of this variant in disease. Therefore, it has been classified as a Variant of Uncertain Significance.